The following is an entry in ClinVar:

NM_001195263.2(PDZD7):c.1040T>G (p.Met347Arg)

Gene: PDZD7 (PDZ domain containing 7; minus strand). Cytogenetic location: 10q24.31.
Variant type: single nucleotide variant.
Coding change: c.1040T>G on transcript NM_001195263.2 (MANE Select); coding-DNA position 1040, T replaced by G.
Protein change: p.Met347Arg; replaces methionine 347 with arginine.
Molecular consequence: missense variant.
Genome position (GRCh38, 1-based): chr10:101,019,106, A>C on the plus strand (T>G on the coding strand, the complement: PDZD7 is on the minus strand). VCF-style: chr10-101019106-A-C. GRCh37 (hg19) VCF-style: chr10-102778863-A-C.
Other names: c.1040T>G, p.Met347Arg (NM_001351044.2, NM_024895.5); short protein forms M347R.
Identifiers: ClinVar variation 1912642 (VCV001912642.2), dbSNP rs749028017, ClinGen allele CA5654179.

ClinVar aggregate classification (germline): Uncertain significance (1 of 4 stars; one submission).

Allele frequency attached by ClinVar (database versions not stated): gnomAD 0.00001; TOPMed 0.00002.
gnomAD v4.1: 2 of 1,557,264 alleles (0.00013%); highest among the groups gnomAD compares: African/African-American, 0.0013%; no homozygotes.

Submission:

Labcorp Genetics (formerly Invitae), Labcorp
Classification: Uncertain significance. Last evaluated: 2022-03-23. Review status: criteria provided, single submitter. Criteria: Invitae Variant Classification Sherloc (09022015). Collection method: clinical testing. Allele origin: germline.
Comment: This sequence change replaces methionine, which is neutral and non-polar, with arginine, which is basic and polar, at codon 347 of the PDZD7 protein (p.Met347Arg). The frequency data for this variant in the population databases is considered unreliable, as metrics indicate poor data quality at this position in the gnomAD database. This variant has not been reported in the literature in individuals affected with PDZD7-related conditions. Algorithms developed to predict the effect of missense changes on protein structure and function are either unavailable or do not agree on the potential impact of this missense change (SIFT: "Deleterious"; PolyPhen-2: "Not Available"; Align-GVGD: "Class C0"). In summary, the available evidence is currently insufficient to determine the role of this variant in disease. Therefore, it has been classified as a Variant of Uncertain Significance.